The following is an entry in ClinVar:

NM_000434.4(NEU1):c.1171G>A (p.Val391Ile)

Gene: NEU1 (neuraminidase 1; minus strand). Cytogenetic location: 6p21.33.
Variant type: single nucleotide variant.
Coding change: c.1171G>A on transcript NM_000434.4 (MANE Select); coding-DNA position 1171, G replaced by A.
Protein change: p.Val391Ile; replaces valine 391 with isoleucine.
Molecular consequence: missense variant.
Genome position (GRCh38, 1-based): chr6:31,859,796, C>T on the plus strand (G>A on the coding strand, the complement: NEU1 is on the minus strand). VCF-style: chr6-31859796-C-T. GRCh37 (hg19) VCF-style: chr6-31827573-C-T.
Other names: short protein forms V391I.
Identifiers: ClinVar variation 2054880 (VCV002054880.2), dbSNP rs777510154, ClinGen allele CA3724868.

ClinVar aggregate classification (germline): Conflicting classifications of pathogenicity. Review status: criteria provided, conflicting classifications (1 of 4 stars). 2 submissions from 2 submitters: Uncertain significance (1); Likely benign (1). Last evaluated 2022-03-21.

Conditions:
Inborn genetic diseases. Identifiers: MedGen C0950123, MeSH D030342.

Allele frequency attached by ClinVar (database versions not stated): gnomAD 0.00003; gnomAD exomes 0.00003; TOPMed 0.00005; ExAC 0.00018.

Submissions (2):

Ambry Genetics
Classification: Likely benign for Inborn genetic diseases. Last evaluated: 2022-03-21. Review status: criteria provided, single submitter. Criteria: Ambry Variant Classification Scheme 2023. Collection method: clinical testing. Allele origin: germline.

Labcorp Genetics (formerly Invitae), Labcorp
Classification: Uncertain significance. Last evaluated: 2022-02-08. Review status: criteria provided, single submitter. Criteria: Invitae Variant Classification Sherloc (09022015). Collection method: clinical testing. Allele origin: germline.
Comment: This sequence change replaces valine, which is neutral and non-polar, with isoleucine, which is neutral and non-polar, at codon 391 of the NEU1 protein (p.Val391Ile). This variant is present in population databases (rs777510154, gnomAD 0.07%). This variant has not been reported in the literature in individuals affected with NEU1-related conditions. Algorithms developed to predict the effect of missense changes on protein structure and function output the following: SIFT: "Deleterious"; PolyPhen-2: "Benign"; Align-GVGD: "Class C0". The isoleucine amino acid residue is found in multiple mammalian species, which suggests that this missense change does not adversely affect protein function. In summary, the available evidence is currently insufficient to determine the role of this variant in disease. Therefore, it has been classified as a Variant of Uncertain Significance.